The following is an entry in ClinVar:

NM_001903.5(CTNNA1):c.2621A>C (p.Lys874Thr)

Gene: CTNNA1 (catenin alpha 1; plus strand). Cytogenetic location: 5q31.2.
Variant type: single nucleotide variant.
Coding change: c.2621A>C on transcript NM_001903.5 (MANE Select); coding-DNA position 2621, A replaced by C.
Protein change: p.Lys874Thr; replaces lysine 874 with threonine.
Molecular consequence: missense variant. On other transcripts: 3 prime UTR variant (5).
Genome position (GRCh38, 1-based): chr5:138,933,989, A>C. VCF-style: chr5-138933989-A-C. GRCh37 (hg19) VCF-style: chr5-138269678-A-C.
Other names: c.*166A>C (NM_001290307.3, NM_001324002.1, NM_001324003.1 and 2 more transcripts); c.2312A>C, p.Lys771Thr (NM_001290309.3); c.2252A>C, p.Lys751Thr (NM_001290310.3); c.1511A>C, p.Lys504Thr (NM_001290312.1, NM_001323987.1, NM_001323988.1 and 12 more transcripts); c.2621A>C, p.Lys874Thr (NM_001323982.2, NM_001323983.1, NM_001323984.2); c.2594A>C, p.Lys865Thr (NM_001323985.2); c.2528A>C, p.Lys843Thr (NM_001323986.2); c.1172A>C, p.Lys391Thr (NM_001324007.1, NM_001324008.1, NM_001324009.1 and 2 more transcripts); and 4 more; short protein forms K459T, K771T, K865T, K423T, K504T, K391T, K473T, K751T.
Identifiers: ClinVar variation 2014552 (VCV002014552.5), dbSNP rs2533954972, ClinGen allele CA361135622.

ClinVar aggregate classification (germline): Uncertain significance. Review status: criteria provided, multiple submitters, no conflicts (2 of 4 stars). 2 submissions from 2 submitters: Uncertain significance (2). Last evaluated 2026-02-13.

Conditions:
Hereditary cancer-predisposing syndrome. Also called: Neoplastic Syndromes, Hereditary; Tumor predisposition; Hereditary Cancer Syndrome; Hereditary neoplastic syndrome. Identifiers: Orphanet 140162, MedGen C0027672, MeSH D009386, MONDO:0015356.

Submissions (2):

Ambry Genetics
Classification: Uncertain significance for Hereditary cancer-predisposing syndrome. Last evaluated: 2026-02-13. Review status: criteria provided, single submitter. Criteria: Ambry Variant Classification Scheme 2023. Collection method: clinical testing. Allele origin: germline.
Comment: The p.K874T variant (also known as c.2621A>C), located in coding exon 17 of the CTNNA1 gene, results from an A to C substitution at nucleotide position 2621. The lysine at codon 874 is replaced by threonine, an amino acid with similar properties. This amino acid position is conserved. In addition, this alteration is predicted to be tolerated by in silico analysis. Based on the available evidence, the clinical significance of this variant remains unclear.

Labcorp Genetics (formerly Invitae), Labcorp
Classification: Uncertain significance. Last evaluated: 2022-07-06. Review status: criteria provided, single submitter. Criteria: Invitae Variant Classification Sherloc (09022015). Collection method: clinical testing. Allele origin: germline.
Comment: This sequence change replaces lysine, which is basic and polar, with threonine, which is neutral and polar, at codon 874 of the CTNNA1 protein (p.Lys874Thr). In summary, the available evidence is currently insufficient to determine the role of this variant in disease. Therefore, it has been classified as a Variant of Uncertain Significance. Algorithms developed to predict the effect of missense changes on protein structure and function are either unavailable or do not agree on the potential impact of this missense change (SIFT: "Deleterious"; PolyPhen-2: "Benign"; Align-GVGD: "Class C0"). This variant has not been reported in the literature in individuals affected with CTNNA1-related conditions. This variant is not present in population databases (gnomAD no frequency).